The following is an entry in ClinVar:

NM_001258392.3(CLPB):c.148G>T (p.Val50Leu)

Genes: CLPB (ClpB family mitochondrial disaggregase; minus strand), LOC130006336 (ATAC-STARR-seq lymphoblastoid active region 5191; plus strand). Cytogenetic location: 11q13.4.
Variant type: single nucleotide variant.
Coding change: c.148G>T on transcript NM_001258392.3 (MANE Select); coding-DNA position 148, G replaced by T.
Protein change: p.Val50Leu; replaces valine 50 with leucine.
Molecular consequence: missense variant. On other transcripts: 5 prime UTR variant (1).
Genome position (GRCh38, 1-based): chr11:72,434,327, C>A on the plus strand (G>T on the coding strand, the complement: CLPB is on the minus strand). VCF-style: chr11-72434327-C-A. GRCh37 (hg19) VCF-style: chr11-72145371-C-A.
Other names: c.148G>T, p.Val50Leu (NM_001258393.3, NM_030813.6); c.-95G>T (NM_001258394.3); short protein forms V50L.
Identifiers: ClinVar variation 2006270 (VCV002006270.4), dbSNP rs1486863255, ClinGen allele CA381963668.

ClinVar aggregate classification (germline): Uncertain significance (1 of 4 stars; one submission).

Conditions:
3-methylglutaconic aciduria, type VIIB (MGCA7B). Also called: CLPB Deficiency; 3-methylglutaconic aciduria with cataracts, neurologic involvement and neutropenia; 3-methylglutaconic aciduria, type VII, with cataracts, neurologic involvement and neutropenia. Identifiers: Orphanet 445038, MedGen C5676893, MONDO:0014561, OMIM 616271.

Allele frequency attached by ClinVar (database versions not stated): gnomAD exomes below 0.00001; gnomAD 0.00001.
gnomAD v4.1: 5 of 1,612,164 alleles (0.00031%); highest among the groups gnomAD compares: East Asian, 0.0022%; no homozygotes.

Submission:

Labcorp Genetics (formerly Invitae), Labcorp
Classification: Uncertain significance for 3-methylglutaconic aciduria, type VIIB. Last evaluated: 2022-06-29. Review status: criteria provided, single submitter. Criteria: Invitae Variant Classification Sherloc (09022015). Collection method: clinical testing. Allele origin: germline.
Comment: This variant has not been reported in the literature in individuals affected with CLPB-related conditions. Algorithms developed to predict the effect of missense changes on protein structure and function (SIFT, PolyPhen-2, Align-GVGD) all suggest that this variant is likely to be tolerated. Algorithms developed to predict the effect of sequence changes on RNA splicing suggest that this variant may create or strengthen a splice site. In summary, the available evidence is currently insufficient to determine the role of this variant in disease. Therefore, it has been classified as a Variant of Uncertain Significance. The frequency data for this variant in the population databases is considered unreliable, as metrics indicate poor data quality at this position in the gnomAD database. This sequence change replaces valine, which is neutral and non-polar, with leucine, which is neutral and non-polar, at codon 50 of the CLPB protein (p.Val50Leu).